The following is an entry in ClinVar:

ClinVar aggregate classification (germline): Uncertain significance (1 of 4 stars; one submission).

gnomAD v4.1: 1 of 1,613,200 alleles (0.000062%); highest among the groups gnomAD compares: Non-Finnish European, 0.000085%; no homozygotes.

Submission:

GeneDx
Classification: Uncertain significance. Last evaluated: 2024-12-17. Review status: criteria provided, single submitter. Criteria: GeneDx Variant Classification Process June 2021. Collection method: clinical testing. Allele origin: germline. Affected: yes.
Comment: Not observed at significant frequency in large population cohorts (gnomAD); In silico analysis indicates that this missense variant does not alter protein structure/function; Has not been previously published as pathogenic or benign to our knowledge

NM_014225.6(PPP2R1A):c.988A>G (p.Ile330Val)

Gene: PPP2R1A (protein phosphatase 2 scaffold subunit Aalpha; plus strand). Cytogenetic location: 19q13.41.
Variant type: single nucleotide variant.
Coding change: c.988A>G on transcript NM_014225.6 (MANE Select); coding-DNA position 988, A replaced by G.
Protein change: p.Ile330Val; replaces isoleucine 330 with valine.
Molecular consequence: missense variant. On other transcripts: non-coding transcript variant (1).
Genome position (GRCh38, 1-based): chr19:52,216,069, A>G. VCF-style: chr19-52216069-A-G. GRCh37 (hg19) VCF-style: chr19-52719322-A-G.
Other names: c.451A>G, p.Ile151Val (NM_001363656.2); short protein forms I151V, I330V.
Identifiers: ClinVar variation 3906273 (VCV003906273.1).